The following is an entry in ClinVar:

NM_001378454.1(ALMS1):c.2370_2371del (p.Ala792fs)

Gene: ALMS1 (ALMS1 centrosome and basal body associated protein; plus strand). Cytogenetic location: 2p13.1.
Variant type: Deletion.
Coding change: c.2370_2371del on transcript NM_001378454.1 (MANE Select); coding-DNA positions 2370 to 2371, 2 bases deleted (TT; older notation c.2370_2371delTT).
Protein change: p.Ala792fs; shifts the reading frame from alanine 792.
Molecular consequence: frameshift variant.
Genome position (GRCh38, 1-based): chr2:73,448,897-73,448,898, TT deleted; deleting any 2 consecutive bases within chr2:73,448,896-73,448,898 gives the same sequence; the c. name uses the placement nearest the transcript's 3' end. VCF-style (leftmost placement, unchanged base first): chr2-73448895-GTT-G. GRCh37 (hg19) VCF-style: chr2-73676022-GTT-G.
Other names: c.2373_2374del, p.Ala793fs (NM_015120.4); short protein forms A792fs, A793fs.
Identifiers: ClinVar variation 1072647 (VCV001072647.7), dbSNP rs1271517550, ClinGen allele CA534125661.
Genomic context (GRCh38, chr2:73,448,895, plus strand): 5'-CCTAGTATTTTGTACCCACAGGACTTAGCAGACAGTCATCTACCTGAAGAGGGTCTGAAA[GTT>G]TCAGCTGTTGCTGGACCAGCTGACCAGAAGACTGGCCTACCAACAGTACCCTCTAGTGCA-3'

ClinVar aggregate classification (germline): Pathogenic (1 of 4 stars; one submission).

Conditions:
Alstrom syndrome (ALMS). Identifiers: Orphanet 64, MedGen C0268425, MONDO:0008763, OMIM 203800.

Submission:

Labcorp Genetics (formerly Invitae), Labcorp
Classification: Pathogenic for Alstrom syndrome. Last evaluated: 2020-04-21. Review status: criteria provided, single submitter. Criteria: Invitae Variant Classification Sherloc (09022015). Collection method: clinical testing. Allele origin: germline.
Comment: For these reasons, this variant has been classified as Pathogenic. Loss-of-function variants in ALMS1 are known to be pathogenic (PMID: 17594715). This variant has not been reported in the literature in individuals with ALMS1-related conditions. This variant is not present in population databases (ExAC no frequency). This sequence change creates a premature translational stop signal (p.Ala793Cysfs*6) in the ALMS1 gene. It is expected to result in an absent or disrupted protein product.

Literature cited by the submitters: PubMed 17594715.